The following is an entry in ClinVar:

ClinVar aggregate classification (germline): Uncertain significance. Review status: criteria provided, multiple submitters, no conflicts (2 of 4 stars). 2 submissions from 2 submitters: Uncertain significance (2). Last evaluated 2024-07-19.

Conditions:
Congenital sideroblastic anemia-B-cell immunodeficiency-periodic fever-developmental delay syndrome. Also called: Sideroblastic anemia with B-cell immunodeficiency, periodic fevers, and developmental delay. Identifiers: Orphanet 369861, MedGen C4015172, MONDO:0014487, OMIM 616084.

Allele frequency attached by ClinVar (database versions not stated): gnomAD exomes below 0.00001 and 0.00001; ExAC 0.00001; gnomAD 0.00002; TOPMed 0.00003.
gnomAD v4.1: 8 of 1,609,674 alleles (0.0005%); highest among the groups gnomAD compares: Admixed American, 0.0017%; no homozygotes.

Submissions (2):

Blueprint Genetics
Classification: Uncertain significance. Last evaluated: 2024-07-19. Review status: criteria provided, single submitter. Criteria: ACMG Guidelines, 2015. Collection method: clinical testing. Allele origin: germline.

Labcorp Genetics (formerly Invitae), Labcorp
Classification: Uncertain significance for Congenital sideroblastic anemia-B-cell immunodeficiency-periodic fever-developmental delay syndrome. Last evaluated: 2021-09-01. Review status: criteria provided, single submitter. Criteria: Invitae Variant Classification Sherloc (09022015). Collection method: clinical testing. Allele origin: germline.
Comment: This sequence change replaces glycine with arginine at codon 109 of the TRNT1 protein (p.Gly109Arg). The glycine residue is highly conserved and there is a moderate physicochemical difference between glycine and arginine. This variant is present in population databases (rs765959111, ExAC 0.009%). This variant has not been reported in the literature in individuals affected with TRNT1-related conditions. Algorithms developed to predict the effect of missense changes on protein structure and function are either unavailable or do not agree on the potential impact of this missense change (SIFT: "Deleterious"; PolyPhen-2: "Probably Damaging"; Align-GVGD: "Class C0"). In summary, the available evidence is currently insufficient to determine the role of this variant in disease. Therefore, it has been classified as a Variant of Uncertain Significance.

NM_182916.3(TRNT1):c.325G>A (p.Gly109Arg)

Gene: TRNT1 (tRNA nucleotidyl transferase 1; plus strand). Cytogenetic location: 3p26.2.
Variant type: single nucleotide variant.
Coding change: c.325G>A on transcript NM_182916.3 (MANE Select); coding-DNA position 325, G replaced by A.
Protein change: p.Gly109Arg; replaces glycine 109 with arginine.
Molecular consequence: missense variant. On other transcripts: non-coding transcript variant (8).
Genome position (GRCh38, 1-based): chr3:3,137,436, G>A. VCF-style: chr3-3137436-G-A. GRCh37 (hg19) VCF-style: chr3-3179120-G-A.
Other names: c.325G>A, p.Gly109Arg (NM_001302946.2, NM_001367321.1, NM_001367322.1 and 1 more transcripts); short protein forms G109R.
Identifiers: ClinVar variation 1409611 (VCV001409611.6), dbSNP rs765959111, ClinGen allele CA2228601.